The following is an entry in ClinVar:

ClinVar aggregate classification (germline): Conflicting classifications of pathogenicity. Review status: criteria provided, conflicting classifications (1 of 4 stars). 2 submissions from 2 submitters: Uncertain significance (1); Likely benign (1). Last evaluated 2025-08-14.

Conditions:
Hereditary breast ovarian cancer syndrome. Also called: Hereditary breast and ovarian cancer syndrome (HBOC); Breast and ovarian cancer; Hereditary breast and/or ovarian cancer syndrome; BRCA1- and BRCA2-Associated Hereditary Breast and Ovarian Cancer; Hereditary breast and ovarian cancer syndrome; Hereditary breast and ovarian cancer. Identifiers: Orphanet 145, MedGen C0677776, MeSH D061325, MONDO:0003582. Disease mechanism: loss of function.
Hereditary cancer-predisposing syndrome. Also called: Neoplastic Syndromes, Hereditary; Tumor predisposition; Hereditary neoplastic syndrome; Hereditary Cancer Syndrome. Identifiers: Orphanet 140162, MedGen C0027672, MeSH D009386, MONDO:0015356.

Allele frequency attached by ClinVar (database versions not stated): gnomAD exomes below 0.00001; ExAC 0.00001; gnomAD 0.00001.
gnomAD v4.1: 2 of 1,614,114 alleles (0.00012%); highest among the groups gnomAD compares: Admixed American, 0.0033%; no homozygotes.

Submissions (2):

Labcorp Genetics (formerly Invitae), Labcorp
Classification: Uncertain significance for Hereditary breast ovarian cancer syndrome. Last evaluated: 2025-08-14. Review status: criteria provided, single submitter. Criteria: Invitae Variant Classification Sherloc (09022015). Collection method: clinical testing. Allele origin: germline.
Comment: This sequence change replaces threonine, which is neutral and polar, with alanine, which is neutral and non-polar, at codon 3306 of the BRCA2 protein (p.Thr3306Ala). This variant is present in population databases (rs762145450, gnomAD 0.003%). This variant has not been reported in the literature in individuals affected with BRCA2-related conditions. ClinVar contains an entry for this variant (Variation ID: 3230222). Invitae Evidence Modeling of protein sequence and biophysical properties (such as structural, functional, and spatial information, amino acid conservation, physicochemical variation, residue mobility, and thermodynamic stability) indicates that this missense variant is not expected to disrupt BRCA2 protein function with a negative predictive value of 95%. In summary, the available evidence is currently insufficient to determine the role of this variant in disease. Therefore, it has been classified as a Variant of Uncertain Significance.

Ambry Genetics
Classification: Likely benign for Hereditary cancer-predisposing syndrome. Last evaluated: 2024-03-06. Review status: criteria provided, single submitter. Criteria: Ambry Variant Classification Scheme 2023. Collection method: clinical testing. Allele origin: germline.

NM_000059.4(BRCA2):c.9916A>G (p.Thr3306Ala)

Gene: BRCA2 (BRCA2 DNA repair associated; plus strand). Cytogenetic location: 13q13.1.
Variant type: single nucleotide variant.
Coding change: c.9916A>G on transcript NM_000059.4 (MANE Select); coding-DNA position 9916, A replaced by G.
Protein change: p.Thr3306Ala; replaces threonine 3306 with alanine.
Molecular consequence: missense variant. On other transcripts: non-coding transcript variant (1).
Genome position (GRCh38, 1-based): chr13:32,398,429, A>G. VCF-style: chr13-32398429-A-G. GRCh37 (hg19) VCF-style: chr13-32972566-A-G.
Other names: c.9820A>G, p.Thr3274Ala (NM_001406719.1); c.9865A>G, p.Thr3289Ala (NM_001406720.1); c.4984A>G, p.Thr1662Ala (NM_001406721.1); c.3499A>G, p.Thr1167Ala (NM_001406722.1); short protein forms T1167A, T1662A, T3274A, T3289A, T3306A.
Identifiers: ClinVar variation 3230222 (VCV003230222.2), dbSNP rs762145450, ClinGen allele CA6941455.